The following is an entry in ClinVar:

ClinVar aggregate classification (germline): Uncertain significance. Review status: criteria provided, multiple submitters, no conflicts (2 of 4 stars). 2 submissions from 2 submitters: Uncertain significance (2). Last evaluated 2025-02-07.

Conditions:
Inborn genetic diseases. Identifiers: MedGen C0950123, MeSH D030342.

Allele frequency attached by ClinVar (database versions not stated): ExAC 0.00002; TOPMed 0.00007.
gnomAD v4.1: 28 of 1,612,362 alleles (0.0017%); highest among the groups gnomAD compares: Middle Eastern, 0.049%; no homozygotes.

Submissions (2):

GeneDx
Classification: Uncertain significance. Last evaluated: 2025-02-07. Review status: criteria provided, single submitter. Criteria: GeneDx Variant Classification Process June 2021. Collection method: clinical testing. Allele origin: germline.
Comment: In silico analysis supports that this missense variant has a deleterious effect on protein structure/function; Has not been previously published as pathogenic or benign to our knowledge

Ambry Genetics
Classification: Uncertain significance for Inborn genetic diseases. Last evaluated: 2021-07-14. Review status: criteria provided, single submitter. Criteria: Ambry Variant Classification Scheme 2023. Collection method: clinical testing. Allele origin: germline.

NM_001135629.3(PPP1R21):c.1642C>T (p.Arg548Cys)

Gene: PPP1R21 (protein phosphatase 1 regulatory subunit 21; plus strand). Cytogenetic location: 2p16.3.
Variant type: single nucleotide variant.
Coding change: c.1642C>T on transcript NM_001135629.3 (MANE Select); coding-DNA position 1642, C replaced by T.
Protein change: p.Arg548Cys; replaces arginine 548 with cysteine.
Molecular consequence: missense variant. On other transcripts: non-coding transcript variant (1), intron variant (1).
Genome position (GRCh38, 1-based): chr2:48,495,721, C>T. VCF-style: chr2-48495721-C-T. GRCh37 (hg19) VCF-style: chr2-48722860-C-T.
Other names: c.1642C>T, p.Arg548Cys (NM_152994.5); c.1600-2772C>T (NM_001193475.2); short protein forms R548C.
Identifiers: ClinVar variation 2390669 (VCV002390669.4), dbSNP rs187070973, ClinGen allele CA1651403.
Genomic context (GRCh38, chr2:48,495,721, plus strand): 5'-ATGATGCTTTTATCATAGCCCCTCTTGGAGTCTGTGCCTTATGAAGAAGCACTGGCAAAC[C>T]GCCGCATCCTTCTCAGCTCTACTGAAAGTCGAGAAGGCCTTGCACAGCAAGTATGGCACT-3'
Protein context (NP_001129101.1, residues 538-558): SVPYEEALAN[Arg548Cys]RILLSSTESR